The following is an entry in ClinVar:

ClinVar aggregate classification (germline): Uncertain significance (1 of 4 stars; one submission).

Conditions:
Joubert syndrome 23 (JBTS23). Identifiers: Orphanet 475, MedGen C4084822, MONDO:0014664, OMIM 616490.
Short-rib thoracic dysplasia 14 with polydactyly (SRTD14). Identifiers: Orphanet 397715, MedGen C4225286, MONDO:0014688, OMIM 616546.

gnomAD v4.1: 2 of 1,613,236 alleles (0.00012%); highest among the groups gnomAD compares: Non-Finnish European, 0.00017%; no homozygotes.

Submission:

Labcorp Genetics (formerly Invitae), Labcorp
Classification: Uncertain significance for Joubert syndrome 23; Short-rib thoracic dysplasia 14 with polydactyly. Last evaluated: 2022-10-05. Review status: criteria provided, single submitter. Criteria: Invitae Variant Classification Sherloc (09022015). Collection method: clinical testing. Allele origin: germline.
Comment: In summary, the available evidence is currently insufficient to determine the role of this variant in disease. Therefore, it has been classified as a Variant of Uncertain Significance. Advanced modeling of protein sequence and biophysical properties (such as structural, functional, and spatial information, amino acid conservation, physicochemical variation, residue mobility, and thermodynamic stability) has been performed at Invitae for this missense variant, however the output from this modeling did not meet the statistical confidence thresholds required to predict the impact of this variant on KIAA0586 protein function. ClinVar contains an entry for this variant (Variation ID: 1386166). This variant has not been reported in the literature in individuals affected with KIAA0586-related conditions. This variant is not present in population databases (gnomAD no frequency). This sequence change replaces proline, which is neutral and non-polar, with serine, which is neutral and polar, at codon 782 of the KIAA0586 protein (p.Pro782Ser).

NM_001329943.3(KIAA0586):c.2185C>T (p.Pro729Ser)

Gene: KIAA0586 (KIAA0586; plus strand). Cytogenetic location: 14q23.1.
Variant type: single nucleotide variant.
Coding change: c.2185C>T on transcript NM_001329943.3 (MANE Select); coding-DNA position 2185, C replaced by T.
Protein change: p.Pro729Ser; replaces proline 729 with serine.
Molecular consequence: missense variant.
Genome position (GRCh38, 1-based): chr14:58,465,960, C>T. VCF-style: chr14-58465960-C-T. GRCh37 (hg19) VCF-style: chr14-58932678-C-T.
Other names: c.2344C>T, p.Pro782Ser (NM_001244189.2); c.2140C>T, p.Pro714Ser (NM_001244190.2); c.1930C>T, p.Pro644Ser (NM_001244191.2, NM_001329945.2, NM_001364700.1 and 1 more transcripts); c.2053C>T, p.Pro685Ser (NM_001244192.2); c.1765C>T, p.Pro589Ser (NM_001244193.2); c.2185C>T, p.Pro729Ser (NM_001329944.2, NM_001329946.2, NM_001329947.2); c.1957C>T, p.Pro653Ser (NM_014749.5); short protein forms P644S, P653S, P685S, P589S, P714S, P729S, P782S.
Identifiers: ClinVar variation 1386166 (VCV001386166.6), dbSNP rs2140940326, ClinGen allele CA389874175.
Genomic context (GRCh38, chr14:58,465,960, plus strand): 5'-TCTAAAATGAAACATTCTGTTCCTGTGTTACCTCATGGCGATCAGCAATATTTGTTCAGC[C>T]CAAGTAGAGAAATGCCTACTTTTTCAGGTACATTGGAAGGTCATCTGATTCCTATGGCAA-3'
Protein context (NP_001316872.1, residues 719-739): PHGDQQYLFS[Pro729Ser]SREMPTFSGT